The following is an entry in ClinVar:

ClinVar aggregate classification (germline): Uncertain significance (1 of 4 stars; one submission).

Conditions:
Baller-Gerold syndrome (BGS). Also called: CRANIOSYNOSTOSIS WITH RADIAL DEFECTS. Identifiers: Orphanet 1225, MedGen C0265308, MONDO:0009039, OMIM 218600.

Submission:

Labcorp Genetics (formerly Invitae), Labcorp
Classification: Uncertain significance for Baller-Gerold syndrome. Last evaluated: 2021-11-26. Review status: criteria provided, single submitter. Criteria: Invitae Variant Classification Sherloc (09022015). Collection method: clinical testing. Allele origin: germline.
Comment: This variant is not present in population databases (gnomAD no frequency). In summary, the available evidence is currently insufficient to determine the role of this variant in disease. Therefore, it has been classified as a Variant of Uncertain Significance. ClinVar contains an entry for this variant (Variation ID: 1019894). This variant has not been reported in the literature in individuals affected with RECQL4-related conditions. This sequence change replaces alanine, which is neutral and non-polar, with threonine, which is neutral and polar, at codon 602 of the RECQL4 protein (p.Ala602Thr).

NM_004260.4(RECQL4):c.1804G>A (p.Ala602Thr)

Gene: RECQL4 (RecQ like helicase 4; minus strand). Cytogenetic location: 8q24.3.
Variant type: single nucleotide variant.
Coding change: c.1804G>A on transcript NM_004260.4 (MANE Select); coding-DNA position 1804, G replaced by A.
Protein change: p.Ala602Thr; replaces alanine 602 with threonine.
Molecular consequence: missense variant.
Genome position (GRCh38, 1-based): chr8:144,514,263, C>T on the plus strand (G>A on the coding strand, the complement: RECQL4 is on the minus strand). VCF-style: chr8-144514263-C-T. GRCh37 (hg19) VCF-style: chr8-145739647-C-T.
Other names: short protein forms A602T.
Identifiers: ClinVar variation 1019894 (VCV001019894.5), dbSNP rs1827825605, ClinGen allele CA372680878.
Genomic context (GRCh38, chr8:144,514,263, plus strand): 5'-GGTAGCAGGGCCGGAAGTTGTGGGACCACTGGGAGAGGCAGTGGGCCTCATCAATGCAGG[C>T]AAAAGCAACTGGAGGCAGCTGTGCGGCTGGAGGGAGGCCTCCCGCCCCCACCAGTGCCTC-3'
Protein context (NP_004251.4, residues 592-612): PAAQLPPVAF[Ala602Thr]CIDEAHCLSQ